The following is an entry in ClinVar:

ClinVar aggregate classification (germline): Benign (1 of 4 stars; one submission).

Conditions:
Hyperekplexia 2 (HKPX2). Identifiers: Orphanet 3197, MedGen C3553291, MONDO:0013828, OMIM 614619.

Allele frequency attached by ClinVar (database versions not stated): TOPMed 0.00031; gnomAD 0.00032; 1000 Genomes Project 0.00040; 1000 Genomes Project 30x 0.00047; gnomAD exomes 0.00047.
gnomAD v4.1: 71 of 199,518 alleles (0.036%); highest among the groups gnomAD compares: Non-Finnish European, 0.065%; 1 homozygote.

Submission:

Illumina Laboratory Services, Illumina
Classification: Benign for Hyperekplexia 2. Last evaluated: 2018-01-13. Review status: criteria provided, single submitter. Criteria: ICSL Variant Classification Criteria 13 December 2019. Collection method: clinical testing. Allele origin: germline.
Comment: This variant was observed in the ICSL laboratory as part of a predisposition screen in an ostensibly healthy population. It had not been previously curated by ICSL or reported in the Human Gene Mutation Database (HGMD: prior to June 1st, 2018), and was therefore a candidate for classification through an automated scoring system. Utilizing variant allele frequency, disease prevalence and penetrance estimates, and inheritance mode, an automated score was calculated to assess if this variant is too frequent to cause the disease. Based on the score and internal cut-off values, a variant classified as benign is not then subjected to further curation. The score for this variant resulted in a classification of benign for this disease.

NM_000824.5(GLRB):c.*301C>T

Gene: GLRB (glycine receptor beta; plus strand). Cytogenetic location: 4q32.1.
Variant type: single nucleotide variant.
Coding change: c.*301C>T on transcript NM_000824.5 (MANE Select); 301 bases downstream of the stop codon, C replaced by T.
Molecular consequence: 3 prime UTR variant.
Genome position (GRCh38, 1-based): chr4:157,171,029, C>T. VCF-style: chr4-157171029-C-T. GRCh37 (hg19) VCF-style: chr4-158092181-C-T.
Other names: c.*301C>T (NM_001166060.2); c.*590C>T (NM_001166061.2).
Identifiers: ClinVar variation 347935 (VCV000347935.5), dbSNP rs571074596, ClinGen allele CA10618172.